The following is an entry in ClinVar:

NM_006949.4(STXBP2):c.757G>T (p.Ala253Ser)

Gene: STXBP2 (syntaxin binding protein 2; plus strand). Cytogenetic location: 19p13.2.
Variant type: single nucleotide variant.
Coding change: c.757G>T on transcript NM_006949.4 (MANE Select); coding-DNA position 757, G replaced by T.
Protein change: p.Ala253Ser; replaces alanine 253 with serine.
Molecular consequence: missense variant. On other transcripts: non-coding transcript variant (1).
Genome position (GRCh38, 1-based): chr19:7,642,296, G>T. VCF-style: chr19-7642296-G-T. GRCh37 (hg19) VCF-style: chr19-7707182-G-T.
Other names: c.757G>T (NM_006949.2); c.748G>T, p.Ala250Ser (NM_001127396.3); c.790G>T, p.Ala264Ser (NM_001272034.2); short protein forms A253S, A250S, A264S.
Identifiers: ClinVar variation 1487668 (VCV001487668.6), dbSNP rs2031920386, ClinGen allele CA403158898.
Genomic context (GRCh38, chr19:7,642,296, plus strand): 5'-ATGGACCGGGCAGCTGACCCCGTGTCCCCACTACTGCATGAGCTCACGTTCCAGGCCATG[G>T]CGTATGATCTGCTGGACATAGAGCAGGACACATACAGGTCTGCAGACTTGGAACCCGTCC-3'
Protein context (NP_008880.2, residues 243-263): LLHELTFQAM[Ala253Ser]YDLLDIEQDT

ClinVar aggregate classification (germline): Uncertain significance. Review status: criteria provided, multiple submitters, no conflicts (2 of 4 stars). 2 submissions from 2 submitters: Uncertain significance (2). Last evaluated 2022-09-27.

Conditions:
Inborn genetic diseases. Identifiers: MedGen C0950123, MeSH D030342.
Familial hemophagocytic lymphohistiocytosis 5. Also called: STXBP2-Related Familial Hemophagocytic Lymphohistiocytosis (STXBP2-fHLH). Identifiers: Orphanet 540, MedGen C2751293, MONDO:0013135, OMIM 613101.

Allele frequency attached by ClinVar (database versions not stated): TOPMed 0.00001.

Submissions (2):

Labcorp Genetics (formerly Invitae), Labcorp
Classification: Uncertain significance for Familial hemophagocytic lymphohistiocytosis 5. Last evaluated: 2022-09-27. Review status: criteria provided, single submitter. Criteria: Invitae Variant Classification Sherloc (09022015). Collection method: clinical testing. Allele origin: germline.
Comment: This sequence change replaces alanine, which is neutral and non-polar, with serine, which is neutral and polar, at codon 253 of the STXBP2 protein (p.Ala253Ser). This variant is not present in population databases (gnomAD no frequency). This variant has not been reported in the literature in individuals affected with STXBP2-related conditions. ClinVar contains an entry for this variant (Variation ID: 1487668). Advanced modeling of protein sequence and biophysical properties (such as structural, functional, and spatial information, amino acid conservation, physicochemical variation, residue mobility, and thermodynamic stability) performed at Invitae indicates that this missense variant is not expected to disrupt STXBP2 protein function. In summary, the available evidence is currently insufficient to determine the role of this variant in disease. Therefore, it has been classified as a Variant of Uncertain Significance.

Ambry Genetics
Classification: Uncertain significance for Inborn genetic diseases. Last evaluated: 2021-10-12. Review status: criteria provided, single submitter. Criteria: Ambry Variant Classification Scheme 2023. Collection method: clinical testing. Allele origin: germline.